The following is an entry in ClinVar:

ClinVar aggregate classification (germline): Likely benign (0 of 4 stars; one submission).

Conditions:
IRF5-related disorder. Also called: IRF5-related condition.

Allele frequency attached by ClinVar (database versions not stated): ExAC 0.00046; 1000 Genomes Project 0.00080; 1000 Genomes Project 30x 0.00094; ESP Exome Variant Server 0.00123.
gnomAD v4.1: 379 of 1,603,102 alleles (0.024%); highest among the groups gnomAD compares: African/African-American, 0.41%; no homozygotes.

Submission:

PreventionGenetics, part of Exact Sciences
Classification: Likely benign for IRF5-related condition. Last evaluated: 2019-03-22. Review status: no assertion criteria provided. Collection method: clinical testing. Allele origin: germline.
Comment: This variant is classified as likely benign based on ACMG/AMP sequence variant interpretation guidelines (Richards et al. 2015 PMID: 25741868, with internal and published modifications).

NM_001098629.3(IRF5):c.195+10G>A

Gene: IRF5 (interferon regulatory factor 5; plus strand). Cytogenetic location: 7q32.1.
Variant type: single nucleotide variant.
Coding change: c.195+10G>A on transcript NM_001098629.3 (MANE Select); 10 bases into the intron after coding-DNA position 195, G replaced by A.
Molecular consequence: intron variant.
Genome position (GRCh38, 1-based): chr7:128,942,286, G>A. VCF-style: chr7-128942286-G-A. GRCh37 (hg19) VCF-style: chr7-128582340-G-A.
Other names: c.195+10G>A (NM_001347928.2, NM_001098630.3, NM_001242452.3 and 3 more transcripts).
Identifiers: ClinVar variation 3051361 (VCV003051361.2), dbSNP rs183734949, ClinGen allele CA4477419.